The following is an entry in ClinVar:

NM_005216.5(DDOST):c.752T>C (p.Phe251Ser)

Gene: DDOST (dolichyl-diphosphooligosaccharide--protein glycosyltransferase non-catalytic subunit; minus strand). Cytogenetic location: 1p36.12.
Variant type: single nucleotide variant.
Coding change: c.752T>C on transcript NM_005216.5 (MANE Select); coding-DNA position 752, T replaced by C.
Protein change: p.Phe251Ser; replaces phenylalanine 251 with serine.
Molecular consequence: missense variant.
Genome position (GRCh38, 1-based): chr1:20,654,265, A>G on the plus strand (T>C on the coding strand, the complement: DDOST is on the minus strand). VCF-style: chr1-20654265-A-G. GRCh37 (hg19) VCF-style: chr1-20980758-A-G.
Other names: short protein forms F251S.
Identifiers: ClinVar variation 1479323 (VCV001479323.7), dbSNP rs199782279, ClinGen allele CA661134.

ClinVar aggregate classification (germline): Uncertain significance. Review status: criteria provided, multiple submitters, no conflicts (2 of 4 stars). 2 submissions from 2 submitters: Uncertain significance (2). Last evaluated 2026-01-05.

Conditions:
Congenital disorder of glycosylation type Ir (CDG1R). Also called: DDOST-congenital disorder of glycosylation. Identifiers: Orphanet 300536, MedGen C3281084, MONDO:0013789, OMIM 614507.

Allele frequency attached by ClinVar (database versions not stated): ExAC 0.00005; gnomAD exomes 0.00007 and 0.00010; gnomAD 0.00012 and 0.00014; TOPMed 0.00024; 1000 Genomes Project 30x 0.00031; 1000 Genomes Project 0.00040.

Submissions (2):

Labcorp Genetics (formerly Invitae), Labcorp
Classification: Uncertain significance for Congenital disorder of glycosylation type Ir. Last evaluated: 2026-01-05. Review status: criteria provided, single submitter. Criteria: Invitae Variant Classification Sherloc (09022015). Collection method: clinical testing. Allele origin: germline.
Comment: This sequence change replaces phenylalanine, which is neutral and non-polar, with serine, which is neutral and polar, at codon 268 of the DDOST protein (p.Phe268Ser). This variant is present in population databases (rs199782279, gnomAD 0.02%). This variant has not been reported in the literature in individuals affected with DDOST-related conditions. ClinVar contains an entry for this variant (Variation ID: 1479323). Invitae Evidence Modeling of protein sequence and biophysical properties (such as structural, functional, and spatial information, amino acid conservation, physicochemical variation, residue mobility, and thermodynamic stability) indicates that this missense variant is not expected to disrupt DDOST protein function with a negative predictive value of 80%. In summary, the available evidence is currently insufficient to determine the role of this variant in disease. Therefore, it has been classified as a Variant of Uncertain Significance.

Fulgent Genetics
Classification: Uncertain significance for Congenital disorder of glycosylation type Ir. Last evaluated: 2021-11-16. Review status: criteria provided, single submitter. Criteria: ACMG Guidelines, 2015. Collection method: clinical testing. Allele origin: unknown.